The following is an entry in ClinVar:

NM_022124.6(CDH23):c.8916G>C (p.Glu2972Asp)

Gene: CDH23 (cadherin related 23; plus strand). Cytogenetic location: 10q22.1.
Variant type: single nucleotide variant.
Coding change: c.8916G>C on transcript NM_022124.6 (MANE Select); coding-DNA position 8916, G replaced by C.
Protein change: p.Glu2972Asp; replaces glutamic acid 2972 with aspartic acid.
Molecular consequence: missense variant.
Genome position (GRCh38, 1-based): chr10:71,810,013, G>C. VCF-style: chr10-71810013-G-C. GRCh37 (hg19) VCF-style: chr10-73569770-G-C.
Other names: c.2196G>C, p.Glu732Asp (NM_001171933.1, NM_001171934.1); short protein forms E2972D, E732D.
Identifiers: ClinVar variation 1986983 (VCV001986983.2), dbSNP rs1373395109, ClinGen allele CA377133796.

ClinVar aggregate classification (germline): Uncertain significance (1 of 4 stars; one submission).

Allele frequency attached by ClinVar (database versions not stated): gnomAD exomes below 0.00001; gnomAD 0.00001.
gnomAD v4.1: 8 of 1,612,512 alleles (0.0005%); highest among the groups gnomAD compares: Non-Finnish European, 0.00068%; no homozygotes.

Submission:

Labcorp Genetics (formerly Invitae), Labcorp
Classification: Uncertain significance. Last evaluated: 2025-04-17. Review status: criteria provided, single submitter. Criteria: Invitae Variant Classification Sherloc (09022015). Collection method: clinical testing. Allele origin: germline.
Comment: This sequence change replaces glutamic acid, which is acidic and polar, with aspartic acid, which is acidic and polar, at codon 2972 of the CDH23 protein (p.Glu2972Asp). This variant is present in population databases (no rsID available, gnomAD 0.01%). This variant has not been reported in the literature in individuals affected with CDH23-related conditions. ClinVar contains an entry for this variant (Variation ID: 1986983). Invitae Evidence Modeling of protein sequence and biophysical properties (such as structural, functional, and spatial information, amino acid conservation, physicochemical variation, residue mobility, and thermodynamic stability) has been performed for this missense variant. However, the output from this modeling did not meet the statistical confidence thresholds required to predict the impact of this variant on CDH23 protein function. In summary, the available evidence is currently insufficient to determine the role of this variant in disease. Therefore, it has been classified as a Variant of Uncertain Significance.